The following is an entry in ClinVar:

ClinVar aggregate classification (germline): Uncertain significance. Review status: criteria provided, multiple submitters, no conflicts (2 of 4 stars). 2 submissions from 2 submitters: Uncertain significance (2). Last evaluated 2025-02-08.

Conditions:
Baller-Gerold syndrome (BGS). Also called: CRANIOSYNOSTOSIS WITH RADIAL DEFECTS. Identifiers: Orphanet 1225, MedGen C0265308, MONDO:0009039, OMIM 218600.
Inborn genetic diseases. Identifiers: MedGen C0950123, MeSH D030342.

Allele frequency attached by ClinVar (database versions not stated): gnomAD 0.00001; TOPMed 0.00001.
gnomAD v4.1: 1 of 1,606,448 alleles (0.000062%); highest among the groups gnomAD compares: Non-Finnish European, 0.000085%; no homozygotes.

Submissions (2):

Ambry Genetics
Classification: Uncertain significance for Inborn genetic diseases. Last evaluated: 2025-02-08. Review status: criteria provided, single submitter. Criteria: Ambry Variant Classification Scheme 2023. Collection method: clinical testing. Allele origin: germline.
Comment: The p.E158D variant (also known as c.474G>C), located in coding exon 5 of the RECQL4 gene, results from a G to C substitution at nucleotide position 474. The glutamic acid at codon 158 is replaced by aspartic acid, an amino acid with highly similar properties. This amino acid position is conserved. In addition, this alteration is predicted to be tolerated by in silico analysis. Based on the available evidence, the clinical significance of this variant remains unclear.

Labcorp Genetics (formerly Invitae), Labcorp
Classification: Uncertain significance for Baller-Gerold syndrome. Last evaluated: 2023-09-18. Review status: criteria provided, single submitter. Criteria: Invitae Variant Classification Sherloc (09022015). Collection method: clinical testing. Allele origin: germline.
Comment: In summary, the available evidence is currently insufficient to determine the role of this variant in disease. Therefore, it has been classified as a Variant of Uncertain Significance. Experimental studies and prediction algorithms are not available or were not evaluated, and the functional significance of this variant is currently unknown. ClinVar contains an entry for this variant (Variation ID: 963943). This variant has not been reported in the literature in individuals affected with RECQL4-related conditions. This variant is not present in population databases (gnomAD no frequency). This sequence change replaces glutamic acid, which is acidic and polar, with aspartic acid, which is acidic and polar, at codon 158 of the RECQL4 protein (p.Glu158Asp).

NM_004260.4(RECQL4):c.474G>C (p.Glu158Asp)

Gene: RECQL4 (RecQ like helicase 4; minus strand). Cytogenetic location: 8q24.3.
Variant type: single nucleotide variant.
Coding change: c.474G>C on transcript NM_004260.4 (MANE Select); coding-DNA position 474, G replaced by C.
Protein change: p.Glu158Asp; replaces glutamic acid 158 with aspartic acid.
Molecular consequence: missense variant.
Genome position (GRCh38, 1-based): chr8:144,516,645, C>G on the plus strand (G>C on the coding strand, the complement: RECQL4 is on the minus strand). VCF-style: chr8-144516645-C-G. GRCh37 (hg19) VCF-style: chr8-145742029-C-G.
Other names: short protein forms E158D.
Identifiers: ClinVar variation 963943 (VCV000963943.6), dbSNP rs1186107059, ClinGen allele CA372691332.